The following is an entry in ClinVar:

NM_000460.4(THPO):c.680C>T (p.Ala227Val)

Gene: THPO (thrombopoietin; minus strand). Cytogenetic location: 3q27.1.
Variant type: single nucleotide variant.
Coding change: c.680C>T on transcript NM_000460.4 (MANE Select); coding-DNA position 680, C replaced by T.
Protein change: p.Ala227Val; replaces alanine 227 with valine.
Molecular consequence: missense variant. On other transcripts: synonymous variant (4).
Genome position (GRCh38, 1-based): chr3:184,372,895, G>A on the plus strand (C>T on the coding strand, the complement: THPO is on the minus strand). VCF-style: chr3-184372895-G-A. GRCh37 (hg19) VCF-style: chr3-184090683-G-A.
Other names: c.668C>T, p.Ala223Val (NM_001177597.2, NM_001290022.1); c.663C>T, p.Ser221= (NM_001177598.2, NM_001290026.1); c.564C>T, p.Ser188= (NM_001289997.1, NM_001290027.1); c.680C>T, p.Ala227Val (NM_001289998.1, NM_001290028.1); c.1100C>T, p.Ala367Val (NM_001290003.1); short protein forms A367V, A223V, A227V.
Identifiers: ClinVar variation 2916300 (VCV002916300.3), dbSNP rs767954722, ClinGen allele CA2734894.

ClinVar aggregate classification (germline): Uncertain significance (1 of 4 stars; one submission).

Allele frequency attached by ClinVar (database versions not stated): gnomAD 0.00001; gnomAD exomes 0.00004; ExAC 0.00001.
gnomAD v4.1: 59 of 1,613,884 alleles (0.0037%); highest among the groups gnomAD compares: Non-Finnish European, 0.0049%; no homozygotes.

Submission:

Labcorp Genetics (formerly Invitae), Labcorp
Classification: Uncertain significance. Last evaluated: 2025-06-17. Review status: criteria provided, single submitter. Criteria: Invitae Variant Classification Sherloc (09022015). Collection method: clinical testing. Allele origin: germline.
Comment: This sequence change replaces alanine, which is neutral and non-polar, with valine, which is neutral and non-polar, at codon 227 of the THPO protein (p.Ala227Val). This variant is present in population databases (rs767954722, gnomAD 0.004%). This variant has not been reported in the literature in individuals affected with THPO-related conditions. ClinVar contains an entry for this variant (Variation ID: 2916300). An algorithm developed to predict the effect of missense changes on protein structure and function outputs the following: PolyPhen-2: "Benign". The valine amino acid residue is found in multiple mammalian species, which suggests that this missense change does not adversely affect protein function. In summary, the available evidence is currently insufficient to determine the role of this variant in disease. Therefore, it has been classified as a Variant of Uncertain Significance.